The following is an entry in ClinVar:

ClinVar aggregate classification (germline): Uncertain significance (1 of 4 stars; one submission).

Conditions:
Idiopathic generalized epilepsy. Also called: EIG; Generalised epilepsy. Identifiers: MedGen C0270850, MONDO:0005579, OMIM 600669.

Allele frequency attached by ClinVar (database versions not stated): TOPMed below 0.00001; gnomAD 0.00001.
gnomAD v4.1: 15 of 1,550,648 alleles (0.00097%); highest among the groups gnomAD compares: Admixed American, 0.0019%; no homozygotes.

Submission:

Labcorp Genetics (formerly Invitae), Labcorp
Classification: Uncertain significance for Idiopathic generalized epilepsy. Last evaluated: 2022-07-08. Review status: criteria provided, single submitter. Criteria: Invitae Variant Classification Sherloc (09022015). Collection method: clinical testing. Allele origin: germline.
Comment: In summary, the available evidence is currently insufficient to determine the role of this variant in disease. Therefore, it has been classified as a Variant of Uncertain Significance. Algorithms developed to predict the effect of missense changes on protein structure and function (SIFT, PolyPhen-2, Align-GVGD) all suggest that this variant is likely to be tolerated. This variant has not been reported in the literature in individuals affected with RBFOX1-related conditions. This variant is not present in population databases (gnomAD no frequency). This sequence change replaces proline, which is neutral and non-polar, with leucine, which is neutral and non-polar, at codon 311 of the RBFOX1 protein (p.Pro311Leu).

NM_018723.4(RBFOX1):c.872C>T (p.Pro291Leu)

Gene: RBFOX1 (RNA binding fox-1 homolog 1; plus strand). Cytogenetic location: 16p13.3.
Variant type: single nucleotide variant.
Coding change: c.872C>T on transcript NM_018723.4 (MANE Select); coding-DNA position 872, C replaced by T.
Protein change: p.Pro291Leu; replaces proline 291 with leucine.
Molecular consequence: missense variant.
Genome position (GRCh38, 1-based): chr16:7,653,929, C>T. VCF-style: chr16-7653929-C-T. GRCh37 (hg19) VCF-style: chr16-7703931-C-T.
Other names: c.791C>T, p.Pro264Leu (NM_001142333.2); c.872C>T, p.Pro291Leu (NM_001142334.2, NM_001364800.2); c.1001C>T, p.Pro334Leu (NM_001308117.1, NM_001411047.1, NM_001415891.1 and 1 more transcripts); c.1469C>T, p.Pro490Leu (NM_001415887.1); c.1388C>T, p.Pro463Leu (NM_001415888.1); c.980C>T, p.Pro327Leu (NM_001415889.1, NM_001415892.1, NM_001415894.1 and 1 more transcripts); c.947C>T, p.Pro316Leu (NM_001415890.1, NM_001415893.1, NM_001415899.1 and 1 more transcripts); c.932C>T, p.Pro311Leu (NM_001415896.1, NM_001415904.1, NM_145891.3 and 2 more transcripts); and 12 more; short protein forms P266L, P269L, P293L, P327L, P490L, P264L, P291L, P300L.
Identifiers: ClinVar variation 1959188 (VCV001959188.5), dbSNP rs2065688587, ClinGen allele CA394683715.
Genomic context (GRCh38, chr16:7,653,929, plus strand): 5'-ACCTGCGAGGCCGCGGTCGCACCGTGTACAACACCTTCAGGGCCGCGGCGCCCCCGCCCC[C>T]GATCCCGGCCTACGGCGGGTAAGTGGGGCAGCCTCCTGGGTGGGCCTCCCTGCACCAGCC-3'
Protein context (NP_061193.2, residues 281-301): NTFRAAAPPP[Pro291Leu]IPAYGGVVYQ